The following is an entry in ClinVar:

ClinVar aggregate classification (germline): Uncertain significance (1 of 4 stars; one submission).

Submission:

GeneDx
Classification: Uncertain significance. Last evaluated: 2019-12-16. Review status: criteria provided, single submitter. Criteria: GeneDx Variant Classification Process June 2021. Collection method: clinical testing. Allele origin: germline. Affected: yes.
Comment: Not observed in large population cohorts (Lek et al., 2016); In silico analysis, which includes protein predictors and evolutionary conservation, supports a deleterious effect; Has not been previously published as pathogenic or benign to our knowledge

NM_001098.3(ACO2):c.1189G>C (p.Ala397Pro)

Gene: ACO2 (aconitase 2; plus strand). Cytogenetic location: 22q13.2.
Variant type: single nucleotide variant.
Coding change: c.1189G>C on transcript NM_001098.3 (MANE Select); coding-DNA position 1189, G replaced by C.
Protein change: p.Ala397Pro; replaces alanine 397 with proline.
Molecular consequence: missense variant.
Genome position (GRCh38, 1-based): chr22:41,522,880, G>C. VCF-style: chr22-41522880-G-C. GRCh37 (hg19) VCF-style: chr22-41918884-G-C.
Other names: short protein forms A397P.
Identifiers: ClinVar variation 1309045 (VCV001309045.2), dbSNP rs2066538161, ClinGen allele CA411724767.